The following is an entry in ClinVar:

NM_000834.5(GRIN2B):c.3383G>C (p.Gly1128Ala)

Gene: GRIN2B (glutamate ionotropic receptor NMDA type subunit 2B; minus strand). Cytogenetic location: 12p13.1.
Variant type: single nucleotide variant.
Coding change: c.3383G>C on transcript NM_000834.5 (MANE Select); coding-DNA position 3383, G replaced by C.
Protein change: p.Gly1128Ala; replaces glycine 1128 with alanine.
Molecular consequence: missense variant.
Genome position (GRCh38, 1-based): chr12:13,563,855, C>G on the plus strand (G>C on the coding strand, the complement: GRIN2B is on the minus strand). VCF-style: chr12-13563855-C-G. GRCh37 (hg19) VCF-style: chr12-13716789-C-G.
Other names: short protein forms G1128A.
Identifiers: ClinVar variation 1202720 (VCV001202720.3), dbSNP rs769658975, ClinGen allele CA6460907.

ClinVar aggregate classification (germline): Uncertain significance (1 of 4 stars; one submission).

Allele frequency attached by ClinVar (database versions not stated): gnomAD exomes below 0.00001 and 0.00001; TOPMed below 0.00001; ExAC 0.00001.
gnomAD v4.1: 2 of 1,614,108 alleles (0.00012%); highest among the groups gnomAD compares: East Asian, 0.0045%; no homozygotes.

Submission:

GeneDx
Classification: Uncertain significance. Last evaluated: 2020-12-15. Review status: criteria provided, single submitter. Criteria: GeneDx Variant Classification Process June 2021. Collection method: clinical testing. Allele origin: germline. Affected: yes.
Comment: In silico analysis supports that this missense variant does not alter protein structure/function; Has not been previously published as pathogenic or benign to our knowledge